The following is an entry in ClinVar:

ClinVar aggregate classification (germline): Uncertain significance (1 of 4 stars; one submission).

Conditions:
Rubinstein-Taybi syndrome (RSTS). Identifiers: Orphanet 783, MedGen C0035934, MONDO:0019188.

Submission:

Labcorp Genetics (formerly Invitae), Labcorp
Classification: Uncertain significance for Rubinstein-Taybi syndrome. Last evaluated: 2024-10-08. Review status: criteria provided, single submitter. Criteria: Invitae Variant Classification Sherloc (09022015). Collection method: clinical testing. Allele origin: germline.
Comment: This sequence change replaces proline, which is neutral and non-polar, with serine, which is neutral and polar, at codon 509 of the CREBBP protein (p.Pro509Ser). This variant is not present in population databases (gnomAD no frequency). This variant has not been reported in the literature in individuals affected with CREBBP-related conditions. ClinVar contains an entry for this variant (Variation ID: 2152440). Invitae Evidence Modeling of protein sequence and biophysical properties (such as structural, functional, and spatial information, amino acid conservation, physicochemical variation, residue mobility, and thermodynamic stability) indicates that this missense variant is not expected to disrupt CREBBP protein function with a negative predictive value of 95%. In summary, the available evidence is currently insufficient to determine the role of this variant in disease. Therefore, it has been classified as a Variant of Uncertain Significance.

NM_004380.3(CREBBP):c.1525C>T (p.Pro509Ser)

Gene: CREBBP (CREB binding lysine acetyltransferase; minus strand). Cytogenetic location: 16p13.3.
Variant type: single nucleotide variant.
Coding change: c.1525C>T on transcript NM_004380.3 (MANE Select); coding-DNA position 1525, C replaced by T.
Protein change: p.Pro509Ser; replaces proline 509 with serine.
Molecular consequence: missense variant.
Genome position (GRCh38, 1-based): chr16:3,782,732, G>A on the plus strand (C>T on the coding strand, the complement: CREBBP is on the minus strand). VCF-style: chr16-3782732-G-A. GRCh37 (hg19) VCF-style: chr16-3832733-G-A.
Other names: c.1411C>T, p.Pro471Ser (NM_001079846.1); short protein forms P471S, P509S.
Identifiers: ClinVar variation 2152440 (VCV002152440.4), dbSNP rs1228441283, ClinGen allele CA394557333.